The following is an entry in ClinVar:

ClinVar aggregate classification (germline): Uncertain significance (1 of 4 stars; one submission).

Conditions:
Hereditary spastic paraplegia 6 (SPG6). Also called: SPASTIC PARAPLEGIA 6, AUTOSOMAL DOMINANT. Identifiers: Orphanet 100988, MedGen C1838192, MONDO:0010878, OMIM 600363.

Submission:

Labcorp Genetics (formerly Invitae), Labcorp
Classification: Uncertain significance for Hereditary spastic paraplegia 6. Last evaluated: 2018-07-16. Review status: criteria provided, single submitter. Criteria: Invitae Variant Classification Sherloc (09022015). Collection method: clinical testing. Allele origin: germline.
Comment: This variant is a gross deletion of the genomic region encompassing exons 1-3 of the NIPA1 gene, which includes the initiator codon. The 5' end of this event is unknown as it extends beyond the assayed region for this gene and therefore may encompass additional genes. The 3' boundary is likely confined to intron 3 of the NIPA1 gene. This is expected to result in an absent or disrupted protein product. In summary, the available evidence is currently insufficient to determine the role of this variant in disease. Therefore, it has been classified as a Variant of Uncertain Significance. The current clinical and genetic evidence is not sufficient to establish whether loss-of-function variants in NIPA1 cause disease. This variant has not been reported in the literature in individuals with NIPA1-related disease.

NC_000015.10:g.(?_22786637)_(22812273_?)del

Genes: NIPA1 (NIPA magnesium transporter 1; plus strand), LOC130056711 (ATAC-STARR-seq lymphoblastoid silent region 6261; plus strand), LOC130056709 (ATAC-STARR-seq lymphoblastoid silent region 6259; plus strand), LOC130056712 (ATAC-STARR-seq lymphoblastoid active region 9154; plus strand), LOC130056713 (ATAC-STARR-seq lymphoblastoid active region 9155; plus strand) and 1 more. Cytogenetic location: 15q11.2.
Variant type: Deletion.
Identifiers: ClinVar variation 647476 (VCV000647476.6).